The following is an entry in ClinVar:

NM_001283009.2(RTEL1):c.3343+8G>A

Genes: RTEL1 (regulator of telomere elongation helicase 1; plus strand), RTEL1-TNFRSF6B (RTEL1-TNFRSF6B readthrough (NMD candidate); plus strand). Cytogenetic location: 20q13.33.
Variant type: single nucleotide variant.
Coding change: c.3343+8G>A on transcript NM_001283009.2 (MANE Select); 8 bases into the intron after coding-DNA position 3343, G replaced by A.
Molecular consequence: intron variant.
Genome position (GRCh38, 1-based): chr20:63,694,982, G>A. VCF-style: chr20-63694982-G-A. GRCh37 (hg19) VCF-style: chr20-62326335-G-A.
Other names: c.2674+8G>A (NM_001283010.1); c.3415+8G>A (NM_032957.5); c.3343+8G>A (NM_016434.4).
Identifiers: ClinVar variation 626162 (VCV000626162.10), dbSNP rs768036242, ClinGen allele CA636615267.
Genomic context (GRCh38, chr20:63,694,982, plus strand): 5'-TGTGTTGGCCGCCCTGACCACTGCAAAGCCAGAGGACTTCCCCCTGCTGCACAGCAAGTG[G>A]CCCTGGCGTGGGGAACAGCCGGTGGGGTGGGGGGCAGGGGACAAAATGGGGGCTGTGCCG-3'

ClinVar aggregate classification (germline): Conflicting classifications of pathogenicity. Review status: criteria provided, conflicting classifications (1 of 4 stars). 2 submissions from 2 submitters: Uncertain significance (1); Likely benign (1). Last evaluated 2022-07-26.

Conditions:
Pulmonary fibrosis and/or bone marrow failure, Telomere-related, 3. Also called: PULMONARY FIBROSIS AND/OR BONE MARROW FAILURE SYNDROME, TELOMERE-RELATED, 3. Identifiers: Orphanet 2032, MedGen C4225346, MONDO:0014613, OMIM 616373.
Dyskeratosis congenita, autosomal recessive 5 (DKCB5). Identifiers: MedGen C3554656, MONDO:0014076, OMIM 615190.

Submissions (2):

Labcorp Genetics (formerly Invitae), Labcorp
Classification: Likely benign for Dyskeratosis congenita, autosomal recessive 5; Pulmonary fibrosis and/or bone marrow failure, Telomere-related, 3. Last evaluated: 2022-07-26. Review status: criteria provided, single submitter. Criteria: Invitae Variant Classification Sherloc (09022015). Collection method: clinical testing. Allele origin: germline.

Center for Genomics, Ann and Robert H. Lurie Children's Hospital of Chicago
Classification: Uncertain significance for Pulmonary fibrosis and/or bone marrow failure, Telomere-related, 3; Dyskeratosis congenita, autosomal recessive 5. Review status: criteria provided, single submitter. Criteria: ACMG Guidelines, 2015. Collection method: clinical testing. Allele origin: germline.
Comment: RTEL1 NM_032957 exon 32 c.3415+8G>A: This variant has not been reported in the literature but is present in 1/105350 European alleles in the Genome Aggregation Database. Evolutionary conservation and computational predictive tools for this variant are limited or unavailable. This variant is an intronic variant with no predicted change in the amino acid sequence but may have an unknown effect on splicing. Further studies are needed to understand its impact. In summary, data on this variant is insufficient for disease classification. Therefore, the clinical significance of this variant is uncertain.